The following is an entry in ClinVar:

ClinVar aggregate classification (germline): Uncertain significance (1 of 4 stars; one submission).

Conditions:
Hereditary diffuse gastric adenocarcinoma (HDGC). Also called: DIFFUSE GASTRIC AND LOBULAR BREAST CANCER SYNDROME. Identifiers: Orphanet 26106, MedGen C1708349, MONDO:0007648, OMIM 137215.

Submission:

Labcorp Genetics (formerly Invitae), Labcorp
Classification: Uncertain significance for Hereditary diffuse gastric adenocarcinoma. Last evaluated: 2020-07-29. Review status: criteria provided, single submitter. Criteria: Invitae Variant Classification Sherloc (09022015). Collection method: clinical testing. Allele origin: germline.
Comment: This sequence change replaces glutamic acid with glutamine at codon 336 of the CDH1 protein (p.Glu336Gln). The glutamic acid residue is highly conserved and there is a small physicochemical difference between glutamic acid and glutamine. This variant is not present in population databases (ExAC no frequency). This variant has been observed in individual(s) with hereditary diffuse gastric cancer (Invitae). Algorithms developed to predict the effect of missense changes on protein structure and function (SIFT, PolyPhen-2, Align-GVGD) all suggest that this variant is likely to be disruptive, but these predictions have not been confirmed by published functional studies and their clinical significance is uncertain. In summary, the available evidence is currently insufficient to determine the role of this variant in disease. Therefore, it has been classified as a Variant of Uncertain Significance.

NM_004360.5(CDH1):c.1006G>C (p.Glu336Gln)

Gene: CDH1 (cadherin 1; plus strand). Cytogenetic location: 16q22.1.
Variant type: single nucleotide variant.
Coding change: c.1006G>C on transcript NM_004360.5 (MANE Select); coding-DNA position 1006, G replaced by C.
Protein change: p.Glu336Gln; replaces glutamic acid 336 with glutamine.
Molecular consequence: missense variant. On other transcripts: 5 prime UTR variant (2).
Genome position (GRCh38, 1-based): chr16:68,811,857, G>C. VCF-style: chr16-68811857-G-C. GRCh37 (hg19) VCF-style: chr16-68845760-G-C.
Other names: c.1006G>C, p.Glu336Gln (NM_001317184.2); c.-610G>C (NM_001317185.2); c.-814G>C (NM_001317186.2); short protein forms E336Q.
Identifiers: ClinVar variation 1038385 (VCV001038385.9), dbSNP rs1960844685, ClinGen allele CA396459898.